The following is an entry in ClinVar:

ClinVar aggregate classification (germline): Conflicting classifications of pathogenicity. Review status: criteria provided, conflicting classifications (1 of 4 stars). 3 submissions from 2 submitters: Pathogenic (1); Likely pathogenic (1); Uncertain significance (1). Last evaluated 2024-10-04.

Conditions:
Diarrhea. Identifiers: MedGen C0011991, HP:0002014.
Congenital diarrhea 7 with exudative enteropathy. Also called: Diarrhea 7. Identifiers: Orphanet 329242, MedGen C4014516, MONDO:0014375, OMIM 615863.

Allele frequency attached by ClinVar (database versions not stated): ExAC 0.00002; gnomAD exomes 0.00002.

Submissions (3):

Dubai Health Genomic Medicine Center, Dubai Health
Classification: Pathogenic for Diarrhea. Last evaluated: 2024-10-04. Review status: criteria provided, single submitter. Criteria: ACMG Guidelines, 2015. Collection method: research. Allele origin: germline. Affected: yes.
Comment: PVS1, PM3, PM2

Labcorp Genetics (formerly Invitae), Labcorp
Classification: Uncertain significance. Last evaluated: 2022-05-24. Review status: criteria provided, single submitter. Criteria: Invitae Variant Classification Sherloc (09022015). Collection method: clinical testing. Allele origin: germline.
Comment: This sequence change creates a premature translational stop signal (p.Trp458*) in the DGAT1 gene. While this is not anticipated to result in nonsense mediated decay, it is expected to disrupt the last 31 amino acid(s) of the DGAT1 protein. This variant is present in population databases (rs782739596, gnomAD 0.01%). This premature translational stop signal has been observed in individual(s) with a complex clinical phenotype including failure to thrive, bone fractures, electrolyte disturbances, and chronic diarrhea (PMID: 30237576). ClinVar contains an entry for this variant (Variation ID: 1053416). Experimental studies and prediction algorithms are not available or were not evaluated, and the functional significance of this variant is currently unknown. In summary, the available evidence is currently insufficient to determine the role of this variant in disease. Therefore, it has been classified as a Variant of Uncertain Significance.

Dubai Health Genomic Medicine Center, Dubai Health
Classification: Likely pathogenic for Congenital diarrhea 7 with exudative enteropathy. Last evaluated: 2020-09-21. Review status: criteria provided, single submitter. Criteria: ACMG Guidelines, 2015. Collection method: clinical testing. Allele origin: germline. Affected: yes.
Comment: This variant was also identified in 5/30030 (0.017% 0 homozygotes) South Asian alleles in the Genome Aggregation Database (gnomAD). This nonsense variant leads to a premature termination codon at position 458 in the last exon of the gene and is therefore predicted to result in a truncated protein since it is more likely to escape nonsense mediated decay (NMD). However the truncated region is part of the MBOAT domain which is required for the protein function. In summary this variant meets our criteria to be classified as likely pathogenic.

Literature cited by the submitters: PubMed 30237576 (cited by Labcorp Genetics (formerly Invitae), Labcorp).

NM_012079.6(DGAT1):c.1374G>A (p.Trp458Ter)

Gene: DGAT1 (diacylglycerol O-acyltransferase 1; minus strand). Cytogenetic location: 8q24.3.
Variant type: single nucleotide variant.
Coding change: c.1374G>A on transcript NM_012079.6 (MANE Select); coding-DNA position 1374, G replaced by A.
Protein change: p.Trp458Ter; replaces tryptophan 458 with a stop codon.
Molecular consequence: nonsense.
Genome position (GRCh38, 1-based): chr8:144,316,647, C>T on the plus strand (G>A on the coding strand, the complement: DGAT1 is on the minus strand). VCF-style: chr8-144316647-C-T. GRCh37 (hg19) VCF-style: chr8-145540310-C-T.
Other names: short protein forms W458*.
Identifiers: ClinVar variation 1053416 (VCV001053416.5), dbSNP rs782739596, ClinGen allele CA4936527.